The following is an entry in ClinVar:

ClinVar aggregate classification (germline): Uncertain significance (1 of 4 stars; one submission).

Submission:

GeneDx
Classification: Uncertain significance. Last evaluated: 2020-05-13. Review status: criteria provided, single submitter. Criteria: GeneDx Variant Classification Process June 2021. Collection method: clinical testing. Allele origin: germline. Affected: yes.
Comment: Not observed at significant frequency in large population cohorts (gnomAD); In silico analysis supports that this missense variant has a deleterious effect on protein structure/function; Has not been previously published as pathogenic or benign to our knowledge

NM_020928.2(ZSWIM6):c.829G>T (p.Ala277Ser)

Gene: ZSWIM6 (zinc finger SWIM-type containing 6; plus strand). Cytogenetic location: 5q12.1.
Variant type: single nucleotide variant.
Coding change: c.829G>T on transcript NM_020928.2 (MANE Select); coding-DNA position 829, G replaced by T.
Protein change: p.Ala277Ser; replaces alanine 277 with serine.
Molecular consequence: missense variant.
Genome position (GRCh38, 1-based): chr5:61,472,833, G>T. VCF-style: chr5-61472833-G-T. GRCh37 (hg19) VCF-style: chr5-60768660-G-T.
Other names: short protein forms A277S.
Identifiers: ClinVar variation 3340793 (VCV003340793.1).